The following is an entry in ClinVar:

NM_001378609.3(OTOGL):c.2759G>A (p.Gly920Glu)

Gene: OTOGL (otogelin like; plus strand). Cytogenetic location: 12q21.31.
Variant type: single nucleotide variant.
Coding change: c.2759G>A on transcript NM_001378609.3 (MANE Select); coding-DNA position 2759, G replaced by A.
Protein change: p.Gly920Glu; replaces glycine 920 with glutamic acid.
Molecular consequence: missense variant.
Genome position (GRCh38, 1-based): chr12:80,278,245, G>A. VCF-style: chr12-80278245-G-A. GRCh37 (hg19) VCF-style: chr12-80672025-G-A.
Other names: c.2759G>A, p.Gly920Glu (NM_001368062.3, NM_001378610.3, NM_173591.7); short protein forms G920E.
Identifiers: ClinVar variation 1711925 (VCV001711925.2), dbSNP rs1200822983, ClinGen allele CA385858048.

ClinVar aggregate classification (germline): Uncertain significance (1 of 4 stars; one submission).

Allele frequency attached by ClinVar (database versions not stated): gnomAD 0.00001; TOPMed 0.00003.
gnomAD v4.1: 3 of 1,545,442 alleles (0.00019%); highest among the groups gnomAD compares: African/African-American, 0.0027%; no homozygotes.

Submission:

GeneDx
Classification: Uncertain significance. Last evaluated: 2022-04-19. Review status: criteria provided, single submitter. Criteria: GeneDx Variant Classification Process June 2021. Collection method: clinical testing. Allele origin: germline. Affected: yes.
Comment: In silico analysis supports that this missense variant has a deleterious effect on protein structure/function; Has not been previously published as pathogenic or benign to our knowledge